The following is an entry in ClinVar:

ClinVar aggregate classification (germline): Uncertain significance (1 of 4 stars; one submission).

Conditions:
Cardiovascular phenotype. Identifiers: MedGen CN230736.

Submission:

Ambry Genetics
Classification: Uncertain significance for Cardiovascular phenotype. Last evaluated: 2026-03-12. Review status: criteria provided, single submitter. Criteria: Ambry Variant Classification Scheme 2023. Collection method: clinical testing. Allele origin: germline.
Comment: The p.I371M variant (also known as c.1113C>G), located in coding exon 9 of the ABCA1 gene, results from a C to G substitution at nucleotide position 1113. The isoleucine at codon 371 is replaced by methionine, an amino acid with highly similar properties. This amino acid position is conserved. In addition, the in silico prediction for this alteration is inconclusive. Based on the available evidence, the clinical significance of this variant remains unclear.

NM_005502.4(ABCA1):c.1113C>G (p.Ile371Met)

Gene: ABCA1 (ATP binding cassette subfamily A member 1; minus strand). Cytogenetic location: 9q31.1.
Variant type: single nucleotide variant.
Coding change: c.1113C>G on transcript NM_005502.4 (MANE Select); coding-DNA position 1113, C replaced by G.
Protein change: p.Ile371Met; replaces isoleucine 371 with methionine.
Molecular consequence: missense variant.
Genome position (GRCh38, 1-based): chr9:104,837,509, G>C on the plus strand (C>G on the coding strand, the complement: ABCA1 is on the minus strand). VCF-style: chr9-104837509-G-C. GRCh37 (hg19) VCF-style: chr9-107599790-G-C.
Other names: short protein forms I371M.
Identifiers: ClinVar variation 4827618 (VCV004827618.1).